The following is an entry in ClinVar:

NM_001204.7(BMPR2):c.864C>A (p.Cys288Ter)

Gene: BMPR2 (bone morphogenetic protein receptor type 2; plus strand). Cytogenetic location: 2q33.2.
Variant type: single nucleotide variant.
Coding change: c.864C>A on transcript NM_001204.7 (MANE Select); coding-DNA position 864, C replaced by A.
Protein change: p.Cys288Ter; replaces cysteine 288 with a stop codon.
Molecular consequence: nonsense.
Genome position (GRCh38, 1-based): chr2:202,520,098, C>A. VCF-style: chr2-202520098-C-A. GRCh37 (hg19) VCF-style: chr2-203384821-C-A.
Other names: short protein forms C288*.
Identifiers: ClinVar variation 4716557 (VCV004716557.1).
Genomic context (GRCh38, chr2:202,520,098, plus strand): 5'-GTGAGTTAATTCTACCTTTTTTTTTTTTCGCATTTTTTCCTCTATATAGGGATCTTTATG[C>A]AAGTATTTAAGTCTCCACACAAGTGACTGGGTAAGCTCTTGCCGTCTTGCTCATTCTGTT-3'

ClinVar aggregate classification (germline): Pathogenic (1 of 4 stars; one submission).

Conditions:
Primary pulmonary hypertension. Also called: Idiopathic pulmonary hypertension. Identifiers: MedGen C0152171.

Submission:

Labcorp Genetics (formerly Invitae), Labcorp
Classification: Pathogenic for Primary pulmonary hypertension. Last evaluated: 2025-04-02. Review status: criteria provided, single submitter. Criteria: Invitae Variant Classification Sherloc (09022015). Collection method: clinical testing. Allele origin: germline.
Comment: This sequence change creates a premature translational stop signal (p.Cys288*) in the BMPR2 gene. It is expected to result in an absent or disrupted protein product. Loss-of-function variants in BMPR2 are known to be pathogenic (PMID: 16429395). This variant is not present in population databases (gnomAD no frequency). This variant has not been reported in the literature in individuals affected with BMPR2-related conditions. For these reasons, this variant has been classified as Pathogenic.

Literature cited by the submitters: PubMed 16429395.